The following is an entry in ClinVar:

ClinVar aggregate classification (germline): Pathogenic (1 of 4 stars; one submission).

Submission:

Labcorp Genetics (formerly Invitae), Labcorp
Classification: Pathogenic. Last evaluated: 2025-12-11. Review status: criteria provided, single submitter. Criteria: Invitae Variant Classification Sherloc (09022015). Collection method: clinical testing. Allele origin: germline.
Comment: This sequence change creates a premature translational stop signal (p.Arg1228Glyfs*34) in the DOCK6 gene. It is expected to result in an absent or disrupted protein product. Loss-of-function variants in DOCK6 are known to be pathogenic (PMID: 21820096, 25824905). This variant is not present in population databases (gnomAD no frequency). This variant has not been reported in the literature in individuals affected with DOCK6-related conditions. For these reasons, this variant has been classified as Pathogenic.

Literature cited by the submitters: PubMed 21820096; PubMed 25824905.

NM_020812.4(DOCK6):c.3682del (p.Arg1228fs)

Genes: DOCK6 (dedicator of cytokinesis 6; minus strand), DOCK6-AS1 (DOCK6 antisense RNA 1; plus strand). Cytogenetic location: 19p13.2.
Variant type: Deletion.
Coding change: c.3682del on transcript NM_020812.4 (MANE Select); coding-DNA position 3682, one base deleted (C; older notation c.3682delC).
Protein change: p.Arg1228fs; shifts the reading frame from arginine 1228.
Molecular consequence: frameshift variant.
Genome position (GRCh38, 1-based): chr19:11,217,260, G deleted on the plus strand (C on the coding strand, the reverse complement: DOCK6 is on the minus strand); the first of 3 consecutive G bases (chr19:11,217,260-11,217,262); deleting any one gives the same sequence. VCF-style (leftmost placement, unchanged base first): chr19-11217259-CG-C. GRCh37 (hg19) VCF-style: chr19-11327935-CG-C.
Other names: c.3787del, p.Arg1263fs (NM_001367830.1); short protein forms R1263fs, R1228fs.
Identifiers: ClinVar variation 4731066 (VCV004731066.1).